The following is an entry in ClinVar:

ClinVar aggregate classification (germline): Uncertain significance (1 of 4 stars; one submission).

Conditions:
Hereditary sensory and autonomic neuropathy type 7. Also called: Neuropathy, hereditary sensory and autonomic, type VII; HSAN VII. Identifiers: Orphanet 391397, MedGen C3809882, MONDO:0014244, OMIM 615548.
Familial episodic pain syndrome with predominantly lower limb involvement. Also called: Episodic pain syndrome, familial, 3. Identifiers: Orphanet 391384, Orphanet 391392, MedGen C3809899, MONDO:0014247, OMIM 615552.

Allele frequency attached by ClinVar (database versions not stated): gnomAD exomes below 0.00001; TOPMed below 0.00001.
gnomAD v4.1: 3 of 1,614,134 alleles (0.00019%); highest among the groups gnomAD compares: Non-Finnish European, 0.00017%; no homozygotes.

Submission:

Labcorp Genetics (formerly Invitae), Labcorp
Classification: Uncertain significance for Familial episodic pain syndrome with predominantly lower limb involvement; Hereditary sensory and autonomic neuropathy type 7. Last evaluated: 2023-03-22. Review status: criteria provided, single submitter. Criteria: Invitae Variant Classification Sherloc (09022015). Collection method: clinical testing. Allele origin: germline.
Comment: This sequence change replaces threonine, which is neutral and polar, with arginine, which is basic and polar, at codon 739 of the SCN11A protein (p.Thr739Arg). This variant is present in population databases (no rsID available, gnomAD 0.0009%). This variant has not been reported in the literature in individuals affected with SCN11A-related conditions. ClinVar contains an entry for this variant (Variation ID: 2195865). An algorithm developed to predict the effect of missense changes on protein structure and function (PolyPhen-2) suggests that this variant is likely to be disruptive. In summary, the available evidence is currently insufficient to determine the role of this variant in disease. Therefore, it has been classified as a Variant of Uncertain Significance.

NM_001349253.2(SCN11A):c.2216C>G (p.Thr739Arg)

Gene: SCN11A (sodium voltage-gated channel alpha subunit 11; minus strand). Cytogenetic location: 3p22.2.
Variant type: single nucleotide variant.
Coding change: c.2216C>G on transcript NM_001349253.2 (MANE Select); coding-DNA position 2216, C replaced by G.
Protein change: p.Thr739Arg; replaces threonine 739 with arginine.
Molecular consequence: missense variant.
Genome position (GRCh38, 1-based): chr3:38,897,032, G>C on the plus strand (C>G on the coding strand, the complement: SCN11A is on the minus strand). VCF-style: chr3-38897032-G-C. GRCh37 (hg19) VCF-style: chr3-38938523-G-C.
Other names: c.2216C>G, p.Thr739Arg (NM_014139.3); short protein forms T739R.
Identifiers: ClinVar variation 2195865 (VCV002195865.4), dbSNP rs1280953509, ClinGen allele CA352158365.